The following is an entry in ClinVar:

NM_000143.4(FH):c.998G>T (p.Cys333Phe)

Gene: FH (fumarate hydratase; minus strand). Cytogenetic location: 1q43.
Variant type: single nucleotide variant.
Coding change: c.998G>T on transcript NM_000143.4 (MANE Select); coding-DNA position 998, G replaced by T.
Protein change: p.Cys333Phe; replaces cysteine 333 with phenylalanine.
Molecular consequence: missense variant.
Genome position (GRCh38, 1-based): chr1:241,504,152, C>A on the plus strand (G>T on the coding strand, the complement: FH is on the minus strand). VCF-style: chr1-241504152-C-A. GRCh37 (hg19) VCF-style: chr1-241667452-C-A.
Other names: short protein forms C333F.
Identifiers: ClinVar variation 4024835 (VCV004024835.1).

ClinVar aggregate classification (germline): Likely pathogenic (1 of 4 stars; one submission).

Conditions:
Hereditary cancer-predisposing syndrome. Also called: Tumor predisposition; Hereditary neoplastic syndrome; Neoplastic Syndromes, Hereditary; Hereditary Cancer Syndrome. Identifiers: Orphanet 140162, MedGen C0027672, MeSH D009386, MONDO:0015356.

Submission:

Ambry Genetics
Classification: Likely pathogenic for Hereditary cancer-predisposing syndrome. Last evaluated: 2025-06-05. Review status: criteria provided, single submitter. Criteria: Ambry Variant Classification Scheme 2023. Collection method: clinical testing. Allele origin: germline.
Comment: The p.C333F variant (also known as c.998G>T), located in coding exon 7 of the FH gene, results from a G to T substitution at nucleotide position 998. The cysteine at codon 333 is replaced by phenylalanine, an amino acid with highly dissimilar properties. This variant was reported in individual(s) with features consistent with hereditary leiomyomatosis and renal cell cancer (Ambry internal data). Another variant at the same codon, p.C333Y c.998G>A has been identified in individual(s) with features consistent with hereditary leiomyomatosis and renal cell cancer (Ambry internal data). This amino acid position is well conserved in available vertebrate species. In addition, this alteration is predicted to be deleterious by in silico analysis. This variant is considered to be rare based on population cohorts in the Genome Aggregation Database (gnomAD). Based on the majority of available evidence to date, this variant is likely to be pathogenic.